The following is an entry in ClinVar:

NM_020436.5(SALL4):c.1512C>T (p.Pro504=)

Gene: SALL4 (spalt like transcription factor 4; minus strand). Cytogenetic location: 20q13.2.
Variant type: single nucleotide variant.
Coding change: c.1512C>T on transcript NM_020436.5 (MANE Select); coding-DNA position 1512, C replaced by T.
Protein change: p.Pro504=; no amino-acid change (proline 504 retained).
Molecular consequence: synonymous variant. On other transcripts: intron variant (1).
Genome position (GRCh38, 1-based): chr20:51,790,971, G>A on the plus strand (C>T on the coding strand, the complement: SALL4 is on the minus strand). VCF-style: chr20-51790971-G-A. GRCh37 (hg19) VCF-style: chr20-50407510-G-A.
Other names: c.1150+362C>T (NM_001318031.2); c.1512C>T (NM_020436.4).
Identifiers: ClinVar variation 2652413 (VCV002652413.29), dbSNP rs138804604, ClinGen allele CA9912271.

ClinVar aggregate classification (germline): Benign/Likely benign. Review status: criteria provided, multiple submitters, no conflicts (2 of 4 stars). 4 submissions from 4 submitters: Benign (2); Likely benign (2). Last evaluated 2026-02-01.

Conditions:
Duane-radial ray syndrome (DRRS). Also called: ACRORENOOCULAR SYNDROME; DR SYNDROME; DUANE ANOMALY WITH RADIAL RAY ABNORMALITIES AND DEAFNESS; Okihiro Syndrome; Duane-Radial Ray Syndrome/Okihiro Syndrome; Duane-Radial Ray Syndrome (DRRS) / Okihiro Syndrome. Identifiers: Orphanet 93293, Orphanet 959, MedGen C1623209, MONDO:0011812, OMIM 607323. Disease mechanism: gain of function.
SALL4-Related Disorders. Also called: SALL4-related disorder; SALL4-related condition. Identifiers: MedGen CN381056.

Allele frequency attached by ClinVar (database versions not stated): 1000 Genomes Project 30x 0.00016; 1000 Genomes Project 0.00020; ESP Exome Variant Server 0.00023; TOPMed 0.00025; gnomAD 0.00028; gnomAD exomes 0.00040; ExAC 0.00051.
gnomAD v4.1: 628 of 1,614,142 alleles (0.039%); highest among the groups gnomAD compares: South Asian, 0.32%; 2 homozygotes.

Submissions (4):

CeGaT Center for Human Genetics Tuebingen
Classification: Benign. Last evaluated: 2026-02-01. Review status: criteria provided, single submitter. Criteria: CeGaT Center For Human Genetics Tuebingen Variant Classification Criteria Version 2. Collection method: clinical testing. Allele origin: germline. Affected: yes. Observed: 4 variant alleles.
Comment: SALL4: BP4, BS1, BS2

PreventionGenetics, part of Exact Sciences
Classification: Likely benign for SALL4-related condition. Last evaluated: 2025-11-05. Review status: criteria provided, single submitter. Criteria: ACMG Guidelines, 2015. Collection method: clinical testing. Allele origin: germline.
Comment: This variant is classified as likely benign based on ACMG/AMP sequence variant interpretation guidelines (Richards et al. 2015 PMID: 25741868, with internal and published modifications).

Blueprint Genetics
Classification: Likely benign. Last evaluated: 2024-11-22. Review status: criteria provided, single submitter. Criteria: ACMG Guidelines, 2015. Collection method: clinical testing. Allele origin: germline.

Labcorp Genetics (formerly Invitae), Labcorp
Classification: Benign for Duane-radial ray syndrome. Last evaluated: 2024-10-03. Review status: criteria provided, single submitter. Criteria: Invitae Variant Classification Sherloc (09022015). Collection method: clinical testing. Allele origin: germline.